The following is an entry in ClinVar:

NM_001267550.2(TTN):c.94828+1G>A

Genes: TTN (titin; minus strand), TTN-AS1 (TTN antisense RNA 1; plus strand). Cytogenetic location: 2q31.2.
Variant type: single nucleotide variant.
Coding change: c.94828+1G>A on transcript NM_001267550.2 (MANE Select); the canonical splice donor site of the intron after coding-DNA position 94828, G replaced by A.
Molecular consequence: splice donor variant.
Genome position (GRCh38, 1-based): chr2:178,546,599, C>T on the plus strand (G>A on the coding strand, the complement: TTN is on the minus strand). VCF-style: chr2-178546599-C-T. GRCh37 (hg19) VCF-style: chr2-179411326-C-T.
Other names: c.67633+1G>A (NM_003319.4); c.68209+1G>A (NM_133437.4); c.68008+1G>A (NM_133432.3); c.87124+1G>A (NM_133378.4); c.89905+1G>A (NM_001256850.1).
Identifiers: ClinVar variation 4786627 (VCV004786627.1).

ClinVar aggregate classification (germline): Likely pathogenic (1 of 4 stars; one submission).

Conditions:
Autosomal recessive limb-girdle muscular dystrophy type 2J (LGMDR10). Also called: Limb-girdle muscular dystrophy, type 2J; MUSCULAR DYSTROPHY, LIMB-GIRDLE, AUTOSOMAL RECESSIVE 10. Identifiers: Orphanet 140922, MedGen C1837342, MONDO:0012127, OMIM 608807.
Dilated cardiomyopathy 1G (CMD1G). Identifiers: Orphanet 154, MedGen C1858763, MONDO:0011400, OMIM 604145.

gnomAD v4.1: 1 of 1,606,424 alleles (0.000062%); highest among the groups gnomAD compares: Non-Finnish European, 0.000085%; no homozygotes.

Submission:

Labcorp Genetics (formerly Invitae), Labcorp
Classification: Likely pathogenic for Dilated cardiomyopathy 1G; Autosomal recessive limb-girdle muscular dystrophy type 2J. Last evaluated: 2025-11-08. Review status: criteria provided, single submitter. Criteria: Invitae Variant Classification Sherloc (09022015). Collection method: clinical testing. Allele origin: germline.
Comment: This sequence change affects a donor splice site in intron 341 of the TTN gene. It is expected to disrupt RNA splicing and likely results in a truncated or disrupted TTN protein. This variant is present in population databases (no rsID available, gnomAD 0.0009%). This variant has not been reported in the literature in individuals affected with TTN-related conditions. Algorithms developed to predict the effect of sequence changes on RNA splicing suggest that this variant may disrupt the consensus splice site. This variant is located in the A band of TTN (PMID: 25589632). Truncating variants in this region are significantly overrepresented in patients affected with dilated cardiomyopathy (PMID: 25589632). Truncating variants in this region have also been reported in individuals affected with autosomal recessive centronuclear myopathy (PMID: 23975875). In summary, the currently available evidence indicates that the variant is pathogenic, but additional data are needed to prove that conclusively. Therefore, this variant has been classified as Likely Pathogenic.

Literature cited by the submitters: PubMed 25589632; PubMed 23975875.